The following is an entry in ClinVar:

NM_000540.3(RYR1):c.4454+5C>T

Gene: RYR1 (ryanodine receptor 1; plus strand). Cytogenetic location: 19q13.2.
Variant type: single nucleotide variant.
Coding change: c.4454+5C>T on transcript NM_000540.3 (MANE Select); 5 bases into the intron after coding-DNA position 4454, C replaced by T.
Molecular consequence: intron variant.
Genome position (GRCh38, 1-based): chr19:38,477,875, C>T. VCF-style: chr19-38477875-C-T. GRCh37 (hg19) VCF-style: chr19-38968515-C-T.
Other names: c.4454+5C>T (NM_001042723.2).
Identifiers: ClinVar variation 512633 (VCV000512633.2), dbSNP rs374116226, ClinGen allele CA308084636.

ClinVar aggregate classification (germline): Conflicting classifications of pathogenicity. Review status: criteria provided, conflicting classifications (1 of 4 stars). 2 submissions from 2 submitters: Uncertain significance (1); Likely benign (1). Last evaluated 2024-02-05.

Conditions:
Malignant hyperthermia, susceptibility to, 1 (MHS1). Also called: Anesthesia related hyperthermia; Malignant hyperpyrexia; Fulminating hyperpyrexia; Pharmacogenic myopathy; RYR1-Related Malignant Hyperthermia Susceptibility; Malignant hyperthermia suceptibility 1. Identifiers: Orphanet 423, MedGen C2930980, MONDO:0007783, OMIM 145600.

Allele frequency attached by ClinVar (database versions not stated): TOPMed 0.00002; ESP Exome Variant Server 0.00008.
gnomAD v4.1: 16 of 484,996 alleles (0.0033%); highest among the groups gnomAD compares: South Asian, 0.0056%; no homozygotes.

Submissions (2):

All of Us Research Program, National Institutes of Health
Classification: Uncertain significance for Malignant hyperthermia, susceptibility to, 1. Last evaluated: 2024-02-05. Review status: criteria provided, single submitter. Criteria: ACMG Guidelines, 2015. Collection method: clinical testing. Allele origin: germline. Inheritance: Autosomal dominant inheritance. Observed: 4 variant alleles, 4 heterozygotes.
Comment: This variant causes a C to T nucleotide substitution at the +5 position of intron 30 of the RYR1 gene. To our knowledge, functional studies have not been reported for this variant. This variant has not been reported in individuals affected with RYR1-related disorders in the literature. This variant has not been identified in the general population by the Genome Aggregation Database (gnomAD). The available evidence is insufficient to determine the role of this variant in disease conclusively. Therefore, this variant is classified as a Variant of Uncertain Significance.

This study involves interpretation of variants in research participants for the purpose of population health screening. Participant phenotype was not available at the time of variant classification. Additional details can be found in publication PMID: 35346344, PMCID: PMC8962531

GeneDx
Classification: Likely benign. Last evaluated: 2017-10-10. Review status: criteria provided, single submitter. Criteria: GeneDx Variant Classification (06012015). Collection method: clinical testing. Allele origin: germline. Affected: yes.
Comment: This variant is considered likely benign or benign based on one or more of the following criteria: it is a conservative change, it occurs at a poorly conserved position in the protein, it is predicted to be benign by multiple in silico algorithms, and/or has population frequency not consistent with disease.